The following is an entry in ClinVar:

ClinVar aggregate classification (germline): Benign/Likely benign. Review status: criteria provided, multiple submitters, no conflicts (2 of 4 stars). 3 submissions from 3 submitters: Benign (1); Likely benign (2). Last evaluated 2025-11-05.

Allele frequency attached by ClinVar (database versions not stated): gnomAD below 0.00001 and 0.00011; TOPMed 0.00001; gnomAD exomes 0.00010 and 0.00021; ExAC 0.00026; 1000 Genomes Project 30x 0.00031; 1000 Genomes Project 0.00040.
gnomAD v4.1: 156 of 1,531,734 alleles (0.01%); highest among the groups gnomAD compares: South Asian, 0.18%; 1 homozygote.

Submissions (3):

Labcorp Genetics (formerly Invitae), Labcorp
Classification: Benign. Last evaluated: 2025-11-05. Review status: criteria provided, single submitter. Criteria: Invitae Variant Classification Sherloc (09022015). Collection method: clinical testing. Allele origin: germline.

Blueprint Genetics
Classification: Likely benign. Last evaluated: 2024-10-25. Review status: criteria provided, single submitter. Criteria: ACMG Guidelines, 2015. Collection method: clinical testing. Allele origin: germline.

GeneDx
Classification: Likely benign. Last evaluated: 2017-06-19. Review status: criteria provided, single submitter. Criteria: GeneDx Variant Classification (06012015). Collection method: clinical testing. Allele origin: germline. Affected: yes.
Comment: This variant is considered likely benign or benign based on one or more of the following criteria: it is a conservative change, it occurs at a poorly conserved position in the protein, it is predicted to be benign by multiple in silico algorithms, and/or has population frequency not consistent with disease.

NM_001080449.3(DNA2):c.2209-11C>T

Gene: DNA2 (DNA replication helicase/nuclease 2; minus strand). Cytogenetic location: 10q21.3.
Variant type: single nucleotide variant.
Coding change: c.2209-11C>T on transcript NM_001080449.3 (MANE Select); 11 bases into the intron before coding-DNA position 2209, C replaced by T.
Molecular consequence: intron variant.
Genome position (GRCh38, 1-based): chr10:68,422,901, G>A on the plus strand (C>T on the coding strand, the complement: DNA2 is on the minus strand). VCF-style: chr10-68422901-G-A. GRCh37 (hg19) VCF-style: chr10-70182658-G-A.
Identifiers: ClinVar variation 510084 (VCV000510084.7), dbSNP rs538970967, ClinGen allele CA5524872.